The following is an entry in ClinVar:

NC_000023.10:g.(?_32305626)_(32509655_?)dup

Gene: DMD (dystrophin; minus strand). Cytogenetic location: Xp21.1.
Variant type: Duplication.
Identifiers: ClinVar variation 455830 (VCV000455830.9).

ClinVar aggregate classification (germline): Pathogenic (1 of 4 stars; one submission).

Conditions:
Duchenne muscular dystrophy (DMD). Also called: MUSCULAR DYSTROPHY, PSEUDOHYPERTROPHIC PROGRESSIVE, DUCHENNE TYPE; Duchenne Muscular Dystrophy (DMD). Identifiers: Orphanet 98896, MedGen C0013264, MONDO:0010679, OMIM 310200.

Submission:

Labcorp Genetics (formerly Invitae), Labcorp
Classification: Pathogenic for Duchenne muscular dystrophy. Last evaluated: 2019-05-29. Review status: criteria provided, single submitter. Criteria: Invitae Variant Classification Sherloc (09022015). Collection method: clinical testing. Allele origin: germline.
Comment: Loss-of-function variants, including gross duplications, in DMD are known to be pathogenic. Duplication of exons 20-43 has been reported in the literature in an individual affected with Duchenne or Becker muscular dystrophy (PMID: 17561468). This variant is a gross duplication of the genomic region encompassing exons 20-43 of the DMD gene. While the exact position of the duplicated exons cannot be determined from this data, the duplicated copy of this region is likely in tandem and may result in an absent or disrupted protein product. For these reasons, this variant has been classified as Pathogenic.

Literature cited by the submitters: PubMed 17561468.